The following is an entry in ClinVar:

ClinVar aggregate classification (germline): Uncertain significance. Review status: criteria provided, multiple submitters, no conflicts (2 of 4 stars). 2 submissions from 2 submitters: Uncertain significance (2). Last evaluated 2024-12-11.

Conditions:
Inborn genetic diseases. Identifiers: MedGen C0950123, MeSH D030342.

Submissions (2):

Ambry Genetics
Classification: Uncertain significance for Inborn genetic diseases. Last evaluated: 2024-12-11. Review status: criteria provided, single submitter. Criteria: Ambry Variant Classification Scheme 2023. Collection method: clinical testing. Allele origin: germline.

Labcorp Genetics (formerly Invitae), Labcorp
Classification: Uncertain significance. Last evaluated: 2024-12-07. Review status: criteria provided, single submitter. Criteria: Invitae Variant Classification Sherloc (09022015). Collection method: clinical testing. Allele origin: germline.
Comment: This sequence change replaces arginine, which is basic and polar, with lysine, which is basic and polar, at codon 950 of the ERCC6 protein (p.Arg950Lys). This variant is not present in population databases (gnomAD no frequency). This variant has not been reported in the literature in individuals affected with ERCC6-related conditions. Invitae Evidence Modeling of protein sequence and biophysical properties (such as structural, functional, and spatial information, amino acid conservation, physicochemical variation, residue mobility, and thermodynamic stability) indicates that this missense variant is not expected to disrupt ERCC6 protein function with a negative predictive value of 95%. In summary, the available evidence is currently insufficient to determine the role of this variant in disease. Therefore, it has been classified as a Variant of Uncertain Significance.

NM_000124.4(ERCC6):c.2849G>A (p.Arg950Lys)

Genes: ERCC6 (ERCC excision repair 6, chromatin remodeling factor; minus strand), LOC126860933 (BRD4-independent group 4 enhancer GRCh37_chr10:50679962-50681161; plus strand). Cytogenetic location: 10q11.23.
Variant type: single nucleotide variant.
Coding change: c.2849G>A on transcript NM_000124.4 (MANE Select); coding-DNA position 2849, G replaced by A.
Protein change: p.Arg950Lys; replaces arginine 950 with lysine.
Molecular consequence: missense variant.
Genome position (GRCh38, 1-based): chr10:49,472,451, C>T on the plus strand (G>A on the coding strand, the complement: ERCC6 is on the minus strand). VCF-style: chr10-49472451-C-T. GRCh37 (hg19) VCF-style: chr10-50680497-C-T.
Other names: c.2849G>A, p.Arg950Lys (NM_001346440.2); short protein forms R950K.
Identifiers: ClinVar variation 3679654 (VCV003679654.3).
Genomic context (GRCh38, chr10:49,472,451, plus strand): 5'-TCTTCAATGGTGCCCGCAGTCAGGAGCCTGTACACAGTCACTTGCTTCTTCTGGCCTATT[C>T]TCCATGCTCGCTCCCGGGCCTGCAACAGAGAGAGAGAGACCTCTCAACGAGAATCCTTCC-3'
Protein context (NP_000115.1, residues 940-960): TDTQARERAW[Arg950Lys]IGQKKQVTVY